The following is an entry in ClinVar:

ClinVar aggregate classification (germline): Pathogenic (1 of 4 stars; one submission).

Submission:

Labcorp Genetics (formerly Invitae), Labcorp
Classification: Pathogenic. Last evaluated: 2024-10-30. Review status: criteria provided, single submitter. Criteria: Invitae Variant Classification Sherloc (09022015). Collection method: clinical testing. Allele origin: germline.
Comment: This sequence change creates a premature translational stop signal (p.Gly736Valfs*15) in the COL11A2 gene. It is expected to result in an absent or disrupted protein product. Loss-of-function variants in COL11A2 are known to be pathogenic (PMID: 10677296, 21204229). This variant is not present in population databases (gnomAD no frequency). This variant has not been reported in the literature in individuals affected with COL11A2-related conditions. Algorithms developed to predict the effect of sequence changes on RNA splicing suggest that this variant may create or strengthen a splice site. For these reasons, this variant has been classified as Pathogenic.

Literature cited by the submitters: PubMed 10677296; PubMed 21204229.

NM_080680.3(COL11A2):c.2207del (p.Gly736fs)

Gene: COL11A2 (collagen type XI alpha 2 chain; minus strand). Cytogenetic location: 6p21.32.
Variant type: Deletion.
Coding change: c.2207del on transcript NM_080680.3 (MANE Select); coding-DNA position 2207, one base deleted (G; older notation c.2207delG).
Protein change: p.Gly736fs; shifts the reading frame from glycine 736.
Molecular consequence: frameshift variant.
Genome position (GRCh38, 1-based): chr6:33,176,266, C deleted on the plus strand (G on the coding strand, the reverse complement: COL11A2 is on the minus strand); the first of 3 consecutive C bases (chr6:33,176,266-33,176,268); deleting any one gives the same sequence. VCF-style (leftmost placement, unchanged base first): chr6-33176265-AC-A. GRCh37 (hg19) VCF-style: chr6-33144042-AC-A.
Other names: c.2027del, p.Gly676fs (NM_001424108.1); c.1361del, p.Gly454fs (NM_001424109.1); c.1181del, p.Gly394fs (NM_001424110.1, NM_001424111.1); c.161del, p.Gly54fs (NM_001424112.1); c.1886del, p.Gly629fs (NM_080679.3); c.1949del, p.Gly650fs (NM_080681.3); short protein forms G629fs, G454fs, G736fs, G394fs, G54fs, G676fs, G650fs.
Identifiers: ClinVar variation 3722101 (VCV003722101.2).